The following is an entry in ClinVar:

NM_178857.6(RP1L1):c.33G>A (p.Pro11=)

Gene: RP1L1 (RP1 like 1). Cytogenetic location: 8p23.1.
Variant type: single nucleotide variant.
Coding change: c.33G>A on transcript NM_178857.6 (MANE Select); coding-DNA position 33, G replaced by A.
Protein change: p.Pro11=; no amino-acid change (proline 11 retained).
Molecular consequence: synonymous variant.
Genome position (GRCh38, 1-based): chr8:10,623,169, C>T on the plus strand (G>A on the coding strand, the complement: RP1L1 is on the minus strand). VCF-style: chr8-10623169-C-T. GRCh37 (hg19) VCF-style: chr8-10480679-C-T.
Identifiers: ClinVar variation 361431 (VCV000361431.15), dbSNP rs80059299, ClinGen allele CA4625912.
Genomic context (GRCh38, chr8:10,623,169, plus strand): 5'-CGTGACCTTGGTGACCGAGGGGGTGCGAGCCACAGAGGGCAGGAAGCACTCACGGTGGCT[C>T]GGGGCCTGGGCATTCCTGGGGGTGCTGTTCATGGTGTGGGGGCTCTGGCCGCTGTAACAG-3'
Protein context (NP_849188.4, residues 1-21): MNSTPRNAQA[Pro11=]SHRECFLPSV

ClinVar aggregate classification (germline): Benign. Review status: criteria provided, multiple submitters, no conflicts (2 of 4 stars). 4 submissions from 4 submitters: Benign (4). Last evaluated 2026-02-03.

Conditions:
Retinal dystrophy. Also called: Inherited retinal dystrophy. Identifiers: Orphanet 71862, MedGen C0854723, MeSH D058499, MONDO:0019118, HP:0000556.
Occult macular dystrophy (OCMD). Also called: OMD; OCCULT MACULAR DYSTROPHY, SUSCEPTIBILITY TO. Identifiers: Orphanet 247834, MedGen C3150833, MONDO:0013316, OMIM 613587, HP:0030636.

Allele frequency attached by ClinVar (database versions not stated): 1000 Genomes Project 0.01478; ESP Exome Variant Server 0.01559; 1000 Genomes Project 30x 0.01562; gnomAD 0.01638 and 0.01695; TOPMed 0.01687; gnomAD exomes 0.01943 and 0.02351; ExAC 0.02034.
gnomAD v4.1: 36,130 of 1,581,806 alleles (2.3%); highest among the groups gnomAD compares: Middle Eastern, 3.5%; 521 homozygotes.

Submissions (4):

Labcorp Genetics (formerly Invitae), Labcorp
Classification: Benign. Last evaluated: 2026-02-03. Review status: criteria provided, single submitter. Criteria: Invitae Variant Classification Sherloc (09022015). Collection method: clinical testing. Allele origin: germline.

Dept Of Ophthalmology, Nagoya University
Classification: Benign for Retinal dystrophy. Last evaluated: 2023-10-01. Review status: criteria provided, single submitter. Criteria: Submitter's publication. Collection method: research. Allele origin: germline. Affected: yes.

Illumina Laboratory Services, Illumina
Classification: Benign for Occult macular dystrophy. Last evaluated: 2018-01-13. Review status: criteria provided, single submitter. Criteria: ICSL Variant Classification Criteria 13 December 2019. Collection method: clinical testing. Allele origin: germline.
Comment: This variant was observed in the ICSL laboratory as part of a predisposition screen in an ostensibly healthy population. It had not been previously curated by ICSL or reported in the Human Gene Mutation Database (HGMD: prior to June 1st, 2018), and was therefore a candidate for classification through an automated scoring system. Utilizing variant allele frequency, disease prevalence and penetrance estimates, and inheritance mode, an automated score was calculated to assess if this variant is too frequent to cause the disease. Based on the score and internal cut-off values, a variant classified as benign is not then subjected to further curation. The score for this variant resulted in a classification of benign for this disease.

Breakthrough Genomics
Classification: Benign. Review status: criteria provided, single submitter. Criteria: ACMG Guidelines, 2015. Collection method: not provided. Allele origin: germline. Inheritance: Autosomal recessive inheritance. Affected: yes.